The following is an entry in ClinVar:

NM_001282531.3(ADNP):c.1599G>C (p.Met533Ile)

Gene: ADNP (activity dependent neuroprotector homeobox; minus strand). Cytogenetic location: 20q13.13.
Variant type: single nucleotide variant.
Coding change: c.1599G>C on transcript NM_001282531.3 (MANE Select); coding-DNA position 1599, G replaced by C.
Protein change: p.Met533Ile; replaces methionine 533 with isoleucine.
Molecular consequence: missense variant.
Genome position (GRCh38, 1-based): chr20:50,893,115, C>G on the plus strand (G>C on the coding strand, the complement: ADNP is on the minus strand). VCF-style: chr20-50893115-C-G. GRCh37 (hg19) VCF-style: chr20-49509652-C-G.
Other names: c.1599G>C, p.Met533Ile (NM_001282532.2, NM_001347511.2, NM_015339.5 and 1 more transcripts); short protein forms M533I.
Identifiers: ClinVar variation 3684659 (VCV003684659.2).

ClinVar aggregate classification (germline): Uncertain significance (1 of 4 stars; one submission).

gnomAD v4.1: 1 of 1,614,240 alleles (0.000062%); highest among the groups gnomAD compares: South Asian, 0.0011%; no homozygotes.

Submission:

Labcorp Genetics (formerly Invitae), Labcorp
Classification: Uncertain significance. Last evaluated: 2024-05-06. Review status: criteria provided, single submitter. Criteria: Invitae Variant Classification Sherloc (09022015). Collection method: clinical testing. Allele origin: germline.
Comment: This sequence change replaces methionine, which is neutral and non-polar, with isoleucine, which is neutral and non-polar, at codon 533 of the ADNP protein (p.Met533Ile). This variant is not present in population databases (gnomAD no frequency). This variant has not been reported in the literature in individuals affected with ADNP-related conditions. An algorithm developed to predict the effect of missense changes on protein structure and function (PolyPhen-2) suggests that this variant is likely to be tolerated. In summary, the available evidence is currently insufficient to determine the role of this variant in disease. Therefore, it has been classified as a Variant of Uncertain Significance.